The following is an entry in ClinVar:

NM_182914.3(SYNE2):c.17567A>G (p.Gln5856Arg)

Gene: SYNE2 (spectrin repeat containing nuclear envelope protein 2; plus strand). Cytogenetic location: 14q23.2.
Variant type: single nucleotide variant.
Coding change: c.17567A>G on transcript NM_182914.3 (MANE Select); coding-DNA position 17567, A replaced by G.
Protein change: p.Gln5856Arg; replaces glutamine 5856 with arginine.
Molecular consequence: missense variant.
Genome position (GRCh38, 1-based): chr14:64,186,434, A>G. VCF-style: chr14-64186434-A-G. GRCh37 (hg19) VCF-style: chr14-64653152-A-G.
Other names: c.17567A>G, p.Gln5856Arg (NM_015180.6); short protein forms Q5856R.
Identifiers: ClinVar variation 3451908 (VCV003451908.2).
Genomic context (GRCh38, chr14:64,186,434, plus strand): 5'-CAGCCGCTTGAGTTGAAGGCTTTTTACCCCCTTCTTGTGATTAAATGCAGGAACTAGAAC[A>G]GTCTTTGGCTAGCTGGACTCAGAACTTGAAAGAACTTCAAACTATGAAGGCGGACTTAAC-3'
Protein context (NP_878918.2, residues 5846-5866): NEKELIKELE[Gln5856Arg]SLASWTQNLK

ClinVar aggregate classification (germline): Uncertain significance. Review status: criteria provided, multiple submitters, no conflicts (2 of 4 stars). 2 submissions from 2 submitters: Uncertain significance (2). Last evaluated 2025-11-24.

Conditions:
Emery-Dreifuss muscular dystrophy 5, autosomal dominant (EDMD5). Also called: EMERY-DREIFUSS MUSCULAR DYSTROPHY 5. Identifiers: Orphanet 261, MedGen C2751805, MONDO:0013072, OMIM 612999.

gnomAD v4.1: 11 of 1,614,102 alleles (0.00068%); highest among the groups gnomAD compares: Non-Finnish European, 0.00093%; no homozygotes.

Submissions (2):

Labcorp Genetics (formerly Invitae), Labcorp
Classification: Uncertain significance for Emery-Dreifuss muscular dystrophy 5, autosomal dominant. Last evaluated: 2025-11-24. Review status: criteria provided, single submitter. Criteria: Invitae Variant Classification Sherloc (09022015). Collection method: clinical testing. Allele origin: germline.
Comment: This sequence change replaces glutamine, which is neutral and polar, with arginine, which is basic and polar, at codon 5856 of the SYNE2 protein (p.Gln5856Arg). This variant is present in population databases (rs150328638, gnomAD 0.0009%). This variant has not been reported in the literature in individuals affected with SYNE2-related conditions. ClinVar contains an entry for this variant (Variation ID: 3451908). An algorithm developed to predict the effect of missense changes on protein structure and function (PolyPhen-2) suggests that this variant is likely to be tolerated. In summary, the available evidence is currently insufficient to determine the role of this variant in disease. Therefore, it has been classified as a Variant of Uncertain Significance.

Ambry Genetics
Classification: Uncertain significance. Last evaluated: 2024-09-26. Review status: criteria provided, single submitter. Criteria: Ambry Variant Classification Scheme 2023. Collection method: clinical testing. Allele origin: germline.